The following is an entry in ClinVar:

NM_004482.4(GALNT3):c.1881G>T (p.Trp627Cys)

Gene: GALNT3 (polypeptide N-acetylgalactosaminyltransferase 3; minus strand). Cytogenetic location: 2q24.3.
Variant type: single nucleotide variant.
Coding change: c.1881G>T on transcript NM_004482.4 (MANE Select); coding-DNA position 1881, G replaced by T.
Protein change: p.Trp627Cys; replaces tryptophan 627 with cysteine.
Molecular consequence: missense variant.
Genome position (GRCh38, 1-based): chr2:165,748,802, C>A on the plus strand (G>T on the coding strand, the complement: GALNT3 is on the minus strand). VCF-style: chr2-165748802-C-A. GRCh37 (hg19) VCF-style: chr2-166605312-C-A.
Other names: c.1881G>T (NM_004482.3); short protein forms W627C.
Identifiers: ClinVar variation 3709268 (VCV003709268.3).

ClinVar aggregate classification (germline): Uncertain significance. Review status: criteria provided, multiple submitters, no conflicts (2 of 4 stars). 2 submissions from 2 submitters: Uncertain significance (2). Last evaluated 2025-11-02.

Conditions:
Inborn genetic diseases. Identifiers: MedGen C0950123, MeSH D030342.

Submissions (2):

Ambry Genetics
Classification: Uncertain significance for Inborn genetic diseases. Last evaluated: 2025-11-02. Review status: criteria provided, single submitter. Criteria: Ambry Variant Classification Scheme 2023. Collection method: clinical testing. Allele origin: germline.

Labcorp Genetics (formerly Invitae), Labcorp
Classification: Uncertain significance. Last evaluated: 2025-01-20. Review status: criteria provided, single submitter. Criteria: Invitae Variant Classification Sherloc (09022015). Collection method: clinical testing. Allele origin: germline.
Comment: This sequence change replaces tryptophan, which is neutral and slightly polar, with cysteine, which is neutral and slightly polar, at codon 627 of the GALNT3 protein (p.Trp627Cys). This variant is present in population databases (no rsID available, gnomAD 0.003%). This variant has not been reported in the literature in individuals affected with GALNT3-related conditions. Invitae Evidence Modeling of protein sequence and biophysical properties (such as structural, functional, and spatial information, amino acid conservation, physicochemical variation, residue mobility, and thermodynamic stability) indicates that this missense variant is expected to disrupt GALNT3 protein function with a positive predictive value of 80%. Algorithms developed to predict the effect of sequence changes on RNA splicing suggest that this variant may create or strengthen a splice site. In summary, the available evidence is currently insufficient to determine the role of this variant in disease. Therefore, it has been classified as a Variant of Uncertain Significance.